The following is an entry in ClinVar:

ClinVar aggregate classification (germline): Uncertain significance (1 of 4 stars; one submission).

Allele frequency attached by ClinVar (database versions not stated): TOPMed below 0.00001; gnomAD 0.00001; gnomAD exomes 0.00001; ExAC 0.00002.
gnomAD v4.1: 10 of 1,614,128 alleles (0.00062%); highest among the groups gnomAD compares: South Asian, 0.0044%; no homozygotes.

Submission:

Labcorp Genetics (formerly Invitae), Labcorp
Classification: Uncertain significance. Last evaluated: 2022-07-28. Review status: criteria provided, single submitter. Criteria: Invitae Variant Classification Sherloc (09022015). Collection method: clinical testing. Allele origin: germline.
Comment: This sequence change replaces arginine, which is basic and polar, with cysteine, which is neutral and slightly polar, at codon 1589 of the COL4A2 protein (p.Arg1589Cys). This variant is present in population databases (rs768005452, gnomAD 0.008%). This missense change has been observed in individual(s) with clinical features of porencephaly (Invitae). Advanced modeling of protein sequence and biophysical properties (such as structural, functional, and spatial information, amino acid conservation, physicochemical variation, residue mobility, and thermodynamic stability) performed at Invitae indicates that this missense variant is expected to disrupt COL4A2 protein function. In summary, the available evidence is currently insufficient to determine the role of this variant in disease. Therefore, it has been classified as a Variant of Uncertain Significance.

NM_001846.4(COL4A2):c.4765C>T (p.Arg1589Cys)

Genes: COL4A2 (collagen type IV alpha 2 chain; plus strand), COL4A2-AS1 (COL4A2 antisense RNA 1; minus strand). Cytogenetic location: 13q34.
Variant type: single nucleotide variant.
Coding change: c.4765C>T on transcript NM_001846.4 (MANE Select); coding-DNA position 4765, C replaced by T.
Protein change: p.Arg1589Cys; replaces arginine 1589 with cysteine.
Molecular consequence: missense variant. On other transcripts: non-coding transcript variant (1).
Genome position (GRCh38, 1-based): chr13:110,508,105, C>T. VCF-style: chr13-110508105-C-T. GRCh37 (hg19) VCF-style: chr13-111160452-C-T.
Other names: short protein forms R1589C.
Identifiers: ClinVar variation 1905955 (VCV001905955.2), dbSNP rs768005452, ClinGen allele CA7050647.
Genomic context (GRCh38, chr13:110,508,105, plus strand): 5'-ACCACTGCGCCGCTGCCCATGATGCCCGTGGCCGAGGACGAGATCAAGCCCTACATCAGC[C>T]GCTGTTCTGTGTGTGAGGCCCCGGCCATCGCCATCGCGGTCCACAGTCAGGATGTCTCCA-3'
Protein context (NP_001837.2, residues 1579-1599): AEDEIKPYIS[Arg1589Cys]CSVCEAPAIA